The following is an entry in ClinVar:

NM_153460.4(IL17RC):c.1088G>A (p.Gly363Asp)

Gene: IL17RC (interleukin 17 receptor C; plus strand). Cytogenetic location: 3p25.3.
Variant type: single nucleotide variant.
Coding change: c.1088G>A on transcript NM_153460.4 (MANE Select); coding-DNA position 1088, G replaced by A.
Protein change: p.Gly363Asp; replaces glycine 363 with aspartic acid.
Molecular consequence: missense variant. On other transcripts: non-coding transcript variant (1), intron variant (2).
Genome position (GRCh38, 1-based): chr3:9,928,608, G>A. VCF-style: chr3-9928608-G-A. GRCh37 (hg19) VCF-style: chr3-9970292-G-A.
Other names: c.1088G>A, p.Gly363Asp (NM_001203263.2); c.1049G>A, p.Gly350Asp (NM_001367278.1); c.968G>A, p.Gly323Asp (NM_001367279.1); c.1043G>A, p.Gly348Asp (NM_001367280.1, NM_032732.6); c.1301G>A, p.Gly434Asp (NM_153461.4); c.1059+122G>A (NM_001203264.2); c.1014+122G>A (NM_001203265.2); short protein forms G323D, G348D, G350D, G363D, G434D.
Identifiers: ClinVar variation 1021958 (VCV001021958.5), dbSNP rs768287050, ClinGen allele CA2247134.

ClinVar aggregate classification (germline): Uncertain significance (1 of 4 stars; one submission).

Conditions:
Candidiasis, familial, 9 (CANDF9). Identifiers: Orphanet 1334, MedGen C4225324, MONDO:0014642, OMIM 616445.

Allele frequency attached by ClinVar (database versions not stated): gnomAD exomes 0.00002; TOPMed 0.00002; ExAC 0.00003.

Submission:

Labcorp Genetics (formerly Invitae), Labcorp
Classification: Uncertain significance for Candidiasis, familial, 9. Last evaluated: 2026-01-06. Review status: criteria provided, single submitter. Criteria: Invitae Variant Classification Sherloc (09022015). Collection method: clinical testing. Allele origin: germline.
Comment: This sequence change replaces glycine, which is neutral and non-polar, with aspartic acid, which is acidic and polar, at codon 434 of the IL17RC protein (p.Gly434Asp). This variant is present in population databases (rs768287050, gnomAD 0.006%). This variant has not been reported in the literature in individuals affected with IL17RC-related conditions. ClinVar contains an entry for this variant (Variation ID: 1021958). An algorithm developed to predict the effect of missense changes on protein structure and function (PolyPhen-2) suggests that this variant is likely to be tolerated. In summary, the available evidence is currently insufficient to determine the role of this variant in disease. Therefore, it has been classified as a Variant of Uncertain Significance.